The following is an entry in ClinVar:

NM_000390.4(CHM):c.1034C>G (p.Ser345Ter)

Gene: CHM (CHM Rab escort protein; minus strand). Cytogenetic location: Xq21.2.
Variant type: single nucleotide variant.
Coding change: c.1034C>G on transcript NM_000390.4 (MANE Select); coding-DNA position 1034, C replaced by G.
Protein change: p.Ser345Ter; replaces serine 345 with a stop codon.
Molecular consequence: nonsense.
Genome position (GRCh38, 1-based): chrX:85,956,285, G>C on the plus strand (C>G on the coding strand, the complement: CHM is on the minus strand). VCF-style: chrX-85956285-G-C. GRCh37 (hg19) VCF-style: chrX-85211290-G-C.
Other names: c.590C>G, p.Ser197Ter (NM_001320959.1, NM_001362517.1, NM_001362518.2 and 1 more transcripts); short protein forms S197*, S345*.
Identifiers: ClinVar variation 5016014 (VCV005016014.1).

ClinVar aggregate classification (germline): Pathogenic (1 of 4 stars; one submission).

Conditions:
Choroideremia. Also called: Chorioretinal scalloped atrophy. Identifiers: Orphanet 180, MedGen C0008525, MONDO:0010557, OMIM 303100, HP:0001139.

Submission:

Myriad Genetics, Inc.
Classification: Pathogenic for Choroideremia. Last evaluated: 2026-03-03. Review status: criteria provided, single submitter. Criteria: Myriad Autosomal Dominant, Autosomal Recessive and X-Linked Classification Criteria (2023). Collection method: clinical testing. Allele origin: unknown.
Comment: NM_000390.2(CHM):c.1034C>G(S345*) is expected to be pathogenic in the context of X-linked choroideremia. This variant is predicted to lead to an abnormal or absent protein product due to the creation of a premature termination codon in CHM, a gene where loss-of-function variants are known to be pathogenic. Please note: this variant was assessed in the context of healthy population screening.